The following is an entry in ClinVar:

NM_004560.4(ROR2):c.2445G>A (p.Pro815=)

Gene: ROR2 (ROR family WNT receptor 2; minus strand). Cytogenetic location: 9q22.31.
Variant type: single nucleotide variant.
Coding change: c.2445G>A on transcript NM_004560.4 (MANE Select); coding-DNA position 2445, G replaced by A.
Protein change: p.Pro815=; no amino-acid change (proline 815 retained).
Molecular consequence: synonymous variant.
Genome position (GRCh38, 1-based): chr9:91,724,049, C>T on the plus strand (G>A on the coding strand, the complement: ROR2 is on the minus strand). VCF-style: chr9-91724049-C-T. GRCh37 (hg19) VCF-style: chr9-94486331-C-T.
Identifiers: ClinVar variation 289221 (VCV000289221.18), dbSNP rs202010959, ClinGen allele CA5120393.

ClinVar aggregate classification (germline): Conflicting classifications of pathogenicity. Review status: criteria provided, conflicting classifications (1 of 4 stars). 4 submissions from 4 submitters: Uncertain significance (1); Likely benign (2). 1 of the submissions does not count toward it. Last evaluated 2025-11-25.

Conditions:
ROR2-related disorder. Also called: ROR2-related disorders; ROR2-related condition.

Allele frequency attached by ClinVar (database versions not stated): gnomAD exomes 0.00012 and 0.00026; TOPMed 0.00023; ExAC 0.00024; 1000 Genomes Project 0.00040; 1000 Genomes Project 30x 0.00047; gnomAD 0.00006 and 0.00012.
gnomAD v4.1: 186 of 1,611,004 alleles (0.012%); highest among the groups gnomAD compares: East Asian, 0.25%; 1 homozygote.

Submissions (4):

Labcorp Genetics (formerly Invitae), Labcorp
Classification: Likely benign. Last evaluated: 2025-11-25. Review status: criteria provided, single submitter. Criteria: Invitae Variant Classification Sherloc (09022015). Collection method: clinical testing. Allele origin: germline.

Blueprint Genetics
Classification: Likely benign. Last evaluated: 2024-06-13. Review status: criteria provided, single submitter. Criteria: ACMG Guidelines, 2015. Collection method: clinical testing. Allele origin: germline.

Eurofins Ntd Llc (ga)
Classification: Uncertain significance. Last evaluated: 2016-07-08. Review status: criteria provided, single submitter. Criteria: EGL Classification Definitions 2015. Collection method: clinical testing. Allele origin: germline. Observed: 1 variant allele, 1 heterozygote.

PreventionGenetics, part of Exact Sciences
Classification: Likely benign for ROR2-related condition. Last evaluated: 2019-06-05. Review status: no assertion criteria provided. Collection method: clinical testing. Allele origin: germline. Not counted in ClinVar's aggregate classification.
Comment: This variant is classified as likely benign based on ACMG/AMP sequence variant interpretation guidelines (Richards et al. 2015 PMID: 25741868, with internal and published modifications).